The following is an entry in ClinVar:

NM_152263.4(TPM3):c.346G>A (p.Glu116Lys)

Gene: TPM3 (tropomyosin 3; minus strand). Cytogenetic location: 1q21.3.
Variant type: single nucleotide variant.
Coding change: c.346G>A on transcript NM_152263.4 (MANE Select); coding-DNA position 346, G replaced by A.
Protein change: p.Glu116Lys; replaces glutamic acid 116 with lysine.
Molecular consequence: missense variant. On other transcripts: 5 prime UTR variant (1), intron variant (1), non-coding transcript variant (1).
Genome position (GRCh38, 1-based): chr1:154,176,146, C>T on the plus strand (G>A on the coding strand, the complement: TPM3 is on the minus strand). VCF-style: chr1-154176146-C-T. GRCh37 (hg19) VCF-style: chr1-154148622-C-T.
Other names: c.235G>A, p.Glu79Lys (NM_001278189.2, NM_001278190.2, NM_001349679.2 and 5 more transcripts); c.-36G>A (NM_001278191.2); c.346G>A, p.Glu116Lys (NM_001364679.2, NM_001364680.2, NM_001364681.2 and 1 more transcripts); c.69-2945G>A (NM_001278188.2); short protein forms E116K, E79K.
Identifiers: ClinVar variation 2951280 (VCV002951280.3), dbSNP rs2526081038, ClinGen allele CA342584911.

ClinVar aggregate classification (germline): Uncertain significance (1 of 4 stars; one submission).

Conditions:
Congenital myopathy with fiber type disproportion. Also called: Congenital fiber-type disproportion; Congenital fiber-type disproportion myopathy. Identifiers: Orphanet 2020, MedGen C0546264, MONDO:0009711. Inheritance: all.
Congenital myopathy 4B, autosomal recessive. Also called: Nemaline myopathy 1, autosomal dominant or recessive. Identifiers: Orphanet 171433, Orphanet 171439, Orphanet 171881, MedGen C5829889, MONDO:0012239, OMIM 609284.

Submission:

Labcorp Genetics (formerly Invitae), Labcorp
Classification: Uncertain significance for Congenital myopathy with fiber type disproportion; Congenital myopathy 4B, autosomal recessive. Last evaluated: 2023-08-25. Review status: criteria provided, single submitter. Criteria: Invitae Variant Classification Sherloc (09022015). Collection method: clinical testing. Allele origin: germline.
Comment: In summary, the available evidence is currently insufficient to determine the role of this variant in disease. Therefore, it has been classified as a Variant of Uncertain Significance. Advanced modeling of protein sequence and biophysical properties (such as structural, functional, and spatial information, amino acid conservation, physicochemical variation, residue mobility, and thermodynamic stability) performed at Invitae indicates that this missense variant is not expected to disrupt TPM3 protein function. This variant has not been reported in the literature in individuals affected with TPM3-related conditions. This variant is not present in population databases (gnomAD no frequency). This sequence change replaces glutamic acid, which is acidic and polar, with lysine, which is basic and polar, at codon 116 of the TPM3 protein (p.Glu116Lys).